The following is an entry in ClinVar:

NM_001330691.3(CEP78):c.920A>G (p.Lys307Arg)

Gene: CEP78 (centrosomal protein 78; plus strand). Cytogenetic location: 9q21.2.
Variant type: single nucleotide variant.
Coding change: c.920A>G on transcript NM_001330691.3 (MANE Select); coding-DNA position 920, A replaced by G.
Protein change: p.Lys307Arg; replaces lysine 307 with arginine.
Molecular consequence: missense variant.
Genome position (GRCh38, 1-based): chr9:78,248,318, A>G. VCF-style: chr9-78248318-A-G. GRCh37 (hg19) VCF-style: chr9-80863234-A-G.
Other names: c.920A>G, p.Lys307Arg (NM_001098802.3, NM_001330693.3, NM_001330694.2 and 4 more transcripts); c.920A>G (NM_001098802.1); short protein forms K307R.
Identifiers: ClinVar variation 1024668 (VCV001024668.8), dbSNP rs565401483, ClinGen allele CA5095083.

ClinVar aggregate classification (germline): Uncertain significance. Review status: criteria provided, multiple submitters, no conflicts (2 of 4 stars). 2 submissions from 2 submitters: Uncertain significance (2). Last evaluated 2025-01-31.

Conditions:
Inborn genetic diseases. Identifiers: MedGen C0950123, MeSH D030342.

Allele frequency attached by ClinVar (database versions not stated): gnomAD exomes below 0.00001 and 0.00001; gnomAD 0.00001; ExAC 0.00002; 1000 Genomes Project 0.00020; 1000 Genomes Project 30x 0.00031.
gnomAD v4.1: 4 of 1,581,464 alleles (0.00025%); highest among the groups gnomAD compares: Admixed American, 0.0017%; no homozygotes.

Submissions (2):

Ambry Genetics
Classification: Uncertain significance for Inborn genetic diseases. Last evaluated: 2025-01-31. Review status: criteria provided, single submitter. Criteria: Ambry Variant Classification Scheme 2023. Collection method: clinical testing. Allele origin: germline.

Labcorp Genetics (formerly Invitae), Labcorp
Classification: Uncertain significance. Last evaluated: 2023-11-27. Review status: criteria provided, single submitter. Criteria: Invitae Variant Classification Sherloc (09022015). Collection method: clinical testing. Allele origin: germline.
Comment: This sequence change replaces lysine, which is basic and polar, with arginine, which is basic and polar, at codon 307 of the CEP78 protein (p.Lys307Arg). This variant is present in population databases (rs565401483, gnomAD 0.002%). This variant has not been reported in the literature in individuals affected with CEP78-related conditions. ClinVar contains an entry for this variant (Variation ID: 1024668). Advanced modeling of protein sequence and biophysical properties (such as structural, functional, and spatial information, amino acid conservation, physicochemical variation, residue mobility, and thermodynamic stability) performed at Invitae indicates that this missense variant is not expected to disrupt CEP78 protein function with a negative predictive value of 80%. In summary, the available evidence is currently insufficient to determine the role of this variant in disease. Therefore, it has been classified as a Variant of Uncertain Significance.